The following is an entry in ClinVar:

ClinVar aggregate classification (germline): Likely benign. Review status: criteria provided, multiple submitters, no conflicts (2 of 4 stars). 3 submissions from 3 submitters: Likely benign (3). Last evaluated 2026-02-01.

Conditions:
Cerebral palsy, spastic quadriplegic, 2 (CPSQ2). Identifiers: Orphanet 210141, MedGen C2752061, MONDO:0013033, OMIM 612900.

Allele frequency attached by ClinVar (database versions not stated): ExAC 0.00029; TOPMed 0.00033; gnomAD exomes 0.00036 and 0.00064; ESP Exome Variant Server 0.00100.
gnomAD v4.1: 953 of 1,614,180 alleles (0.059%); highest among the groups gnomAD compares: Non-Finnish European, 0.078%; no homozygotes.

Submissions (3):

CeGaT Center for Human Genetics Tuebingen
Classification: Likely benign. Last evaluated: 2026-02-01. Review status: criteria provided, single submitter. Criteria: CeGaT Center For Human Genetics Tuebingen Variant Classification Criteria Version 2. Collection method: clinical testing. Allele origin: germline. Affected: yes. Observed: 4 variant alleles.
Comment: KANK1: BP4, BP7

Labcorp Genetics (formerly Invitae), Labcorp
Classification: Likely benign. Last evaluated: 2025-07-03. Review status: criteria provided, single submitter. Criteria: Invitae Variant Classification Sherloc (09022015). Collection method: clinical testing. Allele origin: germline.

Fulgent Genetics
Classification: Likely benign for Cerebral palsy, spastic quadriplegic, 2. Last evaluated: 2021-07-23. Review status: criteria provided, single submitter. Criteria: ACMG Guidelines, 2015. Collection method: clinical testing. Allele origin: unknown.

NM_015158.5(KANK1):c.561T>C (p.Phe187=)

Gene: KANK1 (KN motif and ankyrin repeat domains 1; plus strand). Cytogenetic location: 9p24.3.
Variant type: single nucleotide variant.
Coding change: c.561T>C on transcript NM_015158.5 (MANE Select); coding-DNA position 561, T replaced by C.
Protein change: p.Phe187=; no amino-acid change (phenylalanine 187 retained).
Molecular consequence: synonymous variant. On other transcripts: non-coding transcript variant (1).
Genome position (GRCh38, 1-based): chr9:711,327, T>C. VCF-style: chr9-711327-T-C. GRCh37 (hg19) VCF-style: chr9-711327-T-C.
Other names: c.561T>C, p.Phe187= (NM_001256876.3, NM_001256877.3, NM_001354331.2 and 2 more transcripts); c.87T>C, p.Phe29= (NM_001354333.2, NM_001354335.2, NM_001354336.2 and 9 more transcripts).
Identifiers: ClinVar variation 731545 (VCV000731545.41), dbSNP rs139983081, ClinGen allele CA4959972.
Genomic context (GRCh38, chr9:711,327, plus strand): 5'-GGAGAGAGCCACCATGCAGATGACACCGGGTGAGTTCAGAAGGCCCAGGCTGGCCAGTTT[T>C]GGAGGCATGGGCACCACAAGCTCCCTCCCTTCTTTTGTGGGTTCTGGAAACCACAATCCT-3'
Protein context (NP_055973.2, residues 177-197): GEFRRPRLAS[Phe187=]GGMGTTSSLP